The following is an entry in ClinVar:

NM_000245.4(MET):c.2389G>C (p.Glu797Gln)

Gene: MET (MET proto-oncogene, receptor tyrosine kinase; plus strand). Cytogenetic location: 7q31.2.
Variant type: single nucleotide variant.
Coding change: c.2389G>C on transcript NM_000245.4 (MANE Select); coding-DNA position 2389, G replaced by C.
Protein change: p.Glu797Gln; replaces glutamic acid 797 with glutamine.
Molecular consequence: missense variant.
Genome position (GRCh38, 1-based): chr7:116,763,074, G>C. VCF-style: chr7-116763074-G-C. GRCh37 (hg19) VCF-style: chr7-116403128-G-C.
Other names: c.2443G>C, p.Glu815Gln (NM_001127500.3); c.2389G>C, p.Glu797Gln (NM_001324401.3); c.1099G>C, p.Glu367Gln (NM_001324402.2); short protein forms E797Q, E367Q, E815Q.
Identifiers: ClinVar variation 1791361 (VCV001791361.2), dbSNP rs1307693651, ClinGen allele CA368982934.

ClinVar aggregate classification (germline): Uncertain significance (1 of 4 stars; one submission).

Conditions:
Hereditary cancer-predisposing syndrome. Also called: Hereditary Cancer Syndrome; Hereditary neoplastic syndrome; Tumor predisposition; Neoplastic Syndromes, Hereditary. Identifiers: Orphanet 140162, MedGen C0027672, MeSH D009386, MONDO:0015356.

Submission:

Ambry Genetics
Classification: Uncertain significance for Hereditary cancer-predisposing syndrome. Last evaluated: 2022-01-28. Review status: criteria provided, single submitter. Criteria: Ambry Variant Classification Scheme 2023. Collection method: clinical testing. Allele origin: germline.
Comment: The p.E815Q variant (also known as c.2443G>C), located in coding exon 10 of the MET gene, results from a G to C substitution at nucleotide position 2443. The glutamic acid at codon 815 is replaced by glutamine, an amino acid with highly similar properties. This amino acid position is highly conserved in available vertebrate species. In addition, this alteration is predicted to be tolerated by in silico analysis. Since supporting evidence is limited at this time, the clinical significance of this alteration remains unclear.